The following is an entry in ClinVar:

NM_001029883.3(PCARE):c.3731T>C (p.Leu1244Pro)

Gene: PCARE (photoreceptor cilium actin regulator; minus strand). Cytogenetic location: 2p23.2.
Variant type: single nucleotide variant.
Coding change: c.3731T>C on transcript NM_001029883.3 (MANE Select); coding-DNA position 3731, T replaced by C.
Protein change: p.Leu1244Pro; replaces leucine 1244 with proline.
Molecular consequence: missense variant.
Genome position (GRCh38, 1-based): chr2:29,065,005, A>G on the plus strand (T>C on the coding strand, the complement: PCARE is on the minus strand). VCF-style: chr2-29065005-A-G. GRCh37 (hg19) VCF-style: chr2-29287871-A-G.
Other names: short protein forms L1244P.
Identifiers: ClinVar variation 2422052 (VCV002422052.6), dbSNP rs867375433, ClinGen allele CA44633143.

ClinVar aggregate classification (germline): Uncertain significance (1 of 4 stars; one submission).

Allele frequency attached by ClinVar (database versions not stated): gnomAD exomes below 0.00001; TOPMed below 0.00001; gnomAD 0.00001.
gnomAD v4.1: 2 of 1,567,426 alleles (0.00013%); highest among the groups gnomAD compares: Middle Eastern, 0.034%; no homozygotes.

Submission:

Labcorp Genetics (formerly Invitae), Labcorp
Classification: Uncertain significance. Last evaluated: 2023-10-03. Review status: criteria provided, single submitter. Criteria: Invitae Variant Classification Sherloc (09022015). Collection method: clinical testing. Allele origin: germline.
Comment: This sequence change replaces leucine, which is neutral and non-polar, with proline, which is neutral and non-polar, at codon 1244 of the PCARE protein (p.Leu1244Pro). This variant is not present in population databases (gnomAD no frequency). This variant has not been reported in the literature in individuals affected with PCARE-related conditions. ClinVar contains an entry for this variant (Variation ID: 2422052). Algorithms developed to predict the effect of missense changes on protein structure and function output the following: SIFT: "Not Available"; PolyPhen-2: "Benign"; Align-GVGD: "Not Available". The proline amino acid residue is found in multiple mammalian species, which suggests that this missense change does not adversely affect protein function. In summary, the available evidence is currently insufficient to determine the role of this variant in disease. Therefore, it has been classified as a Variant of Uncertain Significance.